The following is an entry in ClinVar:

NM_001378454.1(ALMS1):c.638dup (p.Leu214fs)

Gene: ALMS1 (ALMS1 centrosome and basal body associated protein; plus strand). Cytogenetic location: 2p13.1.
Variant type: Duplication.
Coding change: c.638dup on transcript NM_001378454.1 (MANE Select); coding-DNA position 638, one base duplicated (C; older notation c.638dupC).
Protein change: p.Leu214fs; shifts the reading frame from leucine 214.
Molecular consequence: frameshift variant.
Genome position (GRCh38, 1-based): chr2:73,419,310, C duplicated; the last of 2 consecutive C bases (chr2:73,419,309-73,419,310); duplicating either gives the same sequence. VCF-style (leftmost placement, unchanged base first): chr2-73419308-T-TC. GRCh37 (hg19) VCF-style: chr2-73646436-T-TC.
Other names: c.641dup, p.Leu215fs (NM_015120.4); short protein forms L214fs, L215fs.
Identifiers: ClinVar variation 1073232 (VCV001073232.7), dbSNP rs2103701996, ClinGen allele CA2499216239.

ClinVar aggregate classification (germline): Pathogenic (1 of 4 stars; one submission).

Conditions:
Alstrom syndrome (ALMS). Identifiers: Orphanet 64, MedGen C0268425, MONDO:0008763, OMIM 203800.

Submission:

Labcorp Genetics (formerly Invitae), Labcorp
Classification: Pathogenic for Alstrom syndrome. Last evaluated: 2022-07-12. Review status: criteria provided, single submitter. Criteria: Invitae Variant Classification Sherloc (09022015). Collection method: clinical testing. Allele origin: germline.
Comment: For these reasons, this variant has been classified as Pathogenic. ClinVar contains an entry for this variant (Variation ID: 1073232). This variant has not been reported in the literature in individuals affected with ALMS1-related conditions. This variant is not present in population databases (gnomAD no frequency). This sequence change creates a premature translational stop signal (p.Leu215Thrfs*7) in the ALMS1 gene. It is expected to result in an absent or disrupted protein product. Loss-of-function variants in ALMS1 are known to be pathogenic (PMID: 17594715).

Literature cited by the submitters: PubMed 17594715.